The following is an entry in ClinVar:

NM_024675.4(PALB2):c.3172_3176del (p.Ser1058fs)

Gene: PALB2 (partner and localizer of BRCA2; minus strand). Cytogenetic location: 16p12.2.
Variant type: Deletion.
Coding change: c.3172_3176del on transcript NM_024675.4 (MANE Select); coding-DNA positions 3172 to 3176, 5 bases deleted (TCAGT; older notation c.3172_3176delTCAGT).
Protein change: p.Ser1058fs; shifts the reading frame from serine 1058.
Molecular consequence: frameshift variant. On other transcripts: intron variant (3).
Genome position (GRCh38, 1-based): chr16:23,614,029-23,614,033, ACTGA deleted on the plus strand (TCAGT on the coding strand, the reverse complement: PALB2 is on the minus strand); deleting any 5 consecutive bases within chr16:23,614,029-23,614,034 gives the same sequence; the c. name uses the placement nearest the transcript's 3' end. VCF-style (leftmost placement, unchanged base first): chr16-23614028-GACTGA-G. GRCh37 (hg19) VCF-style: chr16-23625349-GACTGA-G.
Other names: c.3112_3116del, p.Ser1038fs (NM_001407296.1); c.3100_3104del, p.Ser1034fs (NM_001407297.1); c.3010_3014del, p.Ser1004fs (NM_001407298.1, NM_001407302.1); c.2893_2897del, p.Ser965fs (NM_001407300.1); c.3172_3176del, p.Ser1058fs (NM_001407301.1); c.2287_2291del, p.Ser763fs (NM_001407304.1, NM_001407305.1, NM_001407306.1 and 2 more transcripts); c.2125_2129del, p.Ser709fs (NM_001407307.1); c.1384_1388del, p.Ser462fs (NM_001407312.1, NM_001407313.1); and 3 more; short protein forms S1034fs, S1058fs, S763fs, S1004fs, S1038fs, S709fs, S236fs, S462fs.
Identifiers: ClinVar variation 3724147 (VCV003724147.2).
Genomic context (GRCh38, chr16:23,614,028, plus strand): 5'-TAACACACAAAGTGGTCCCAGCCAGTCATTACTTACCATTTCAGAATAGGCTTTGTGACA[GACTGA>G]AGCTTGGTAAGAATCATCAATGTGCATCTTTTTCAGGAGTTGACCAGTTTTTAAATTCCT-3'

ClinVar aggregate classification (germline): Pathogenic (1 of 4 stars; one submission).

Conditions:
Familial cancer of breast. Also called: Hereditary breast cancer; BREAST CANCER, FAMILIAL; hereditary breast carcinoma. Identifiers: Orphanet 227535, MedGen C0346153, MONDO:0016419, OMIM 114480. Disease mechanism: loss of function.

Submission:

Labcorp Genetics (formerly Invitae), Labcorp
Classification: Pathogenic for Familial cancer of breast. Last evaluated: 2024-10-30. Review status: criteria provided, single submitter. Criteria: Invitae Variant Classification Sherloc (09022015). Collection method: clinical testing. Allele origin: germline.
Comment: This sequence change creates a premature translational stop signal (p.Ser1058Leufs*7) in the PALB2 gene. It is expected to result in an absent or disrupted protein product. Loss-of-function variants in PALB2 are known to be pathogenic (PMID: 17200668, 17200671, 17200672, 24136930, 25099575). This variant is not present in population databases (gnomAD no frequency). This variant has not been reported in the literature in individuals affected with PALB2-related conditions. Algorithms developed to predict the effect of sequence changes on RNA splicing suggest that this variant may disrupt the consensus splice site. For these reasons, this variant has been classified as Pathogenic.

Literature cited by the submitters: PubMed 17200668; PubMed 17200671; PubMed 17200672; PubMed 24136930; PubMed 25099575.